The following is an entry in ClinVar:

NM_004360.5(CDH1):c.-11C>T

Genes: CDH1 (cadherin 1; plus strand), LOC130059290 (ATAC-STARR-seq lymphoblastoid silent region 7650; plus strand). Cytogenetic location: 16q22.1.
Variant type: single nucleotide variant.
Coding change: c.-11C>T on transcript NM_004360.5 (MANE Select); 11 bases upstream of the start codon, C replaced by T.
Molecular consequence: 5 prime UTR variant.
Genome position (GRCh38, 1-based): chr16:68,737,405, C>T. VCF-style: chr16-68737405-C-T. GRCh37 (hg19) VCF-style: chr16-68771308-C-T.
Other names: c.-11C>T (NM_001317184.2); c.-1626C>T (NM_001317185.2); c.-1830C>T (NM_001317186.2).
Identifiers: ClinVar variation 3076085 (VCV003076085.1), dbSNP rs1962421851, ClinGen allele CA2229915076.

ClinVar aggregate classification (germline): Uncertain significance (1 of 4 stars; one submission).

Conditions:
Hereditary cancer-predisposing syndrome. Also called: Neoplastic Syndromes, Hereditary; Tumor predisposition; Hereditary neoplastic syndrome; Hereditary Cancer Syndrome. Identifiers: Orphanet 140162, MedGen C0027672, MeSH D009386, MONDO:0015356.

Allele frequency attached by ClinVar (database versions not stated): gnomAD exomes below 0.00001.
gnomAD v4.1: 1 of 1,530,954 alleles (0.000065%); highest among the groups gnomAD compares: African/African-American, 0.0014%; no homozygotes.

Submission:

Ambry Genetics
Classification: Uncertain significance for Hereditary cancer-predisposing syndrome. Last evaluated: 2015-05-17. Review status: criteria provided, single submitter. Criteria: Ambry Variant Classification Scheme 2023. Collection method: clinical testing. Allele origin: germline.
Comment: The c.-11C>T alteration is located in the 5' untranslated region (5'UTR) of the CDH1 gene. This alteration consists of a C to T substitution nucleotides upstream from the first translated codon. Based on insufficient or conflicting evidence, the clinical significance of this alteration remains unclear.